The following is an entry in ClinVar:

ClinVar aggregate classification (germline): Conflicting classifications of pathogenicity. Review status: criteria provided, conflicting classifications (1 of 4 stars). 5 submissions from 5 submitters: Uncertain significance (3); Likely benign (2). Last evaluated 2025-06-23.

Conditions:
Junctional epidermolysis bullosa with pyloric atresia. Also called: Epidermolysis bullosa, junctional, with pyloric atresia and aplasia cutis congenita; Epidermolysis bullosa junctionalis with pyloric atresia; EPIDERMOLYSIS BULLOSA, JUNCTIONAL 5B, WITH PYLORIC ATRESIA; ITGB4-Related Epidermolysis Bullosa with Pyloric Atresia; Junctional Epidermolysis Bullosa- Pyloric Atresia Syndrome; APLASIA CUTIS CONGENITA WITH GASTROINTESTINAL ATRESIA. Identifiers: Orphanet 79403, MedGen C5676875, MONDO:0009183, OMIM 226730.
Epidermolysis bullosa simplex, Ogna type (EBS5A). Also called: Pidermolysis bullosa simplex 5A, Ogna type; EPIDERMOLYSIS BULLOSA SIMPLEX 5A, OGNA TYPE. Identifiers: Orphanet 79401, MedGen C0432317, MONDO:0007555, OMIM 131950.
Epidermolysis bullosa simplex 5B, with muscular dystrophy (EBS5B). Also called: Epidermolysis bullosa simplex with muscular dystrophy; EPIDERMOLYSIS BULLOSA SIMPLEX AND LIMB-GIRDLE MUSCULAR DYSTROPHY. Identifiers: Orphanet 257, MedGen C2931072, MONDO:0009181, OMIM 226670.
Epidermolysis bullosa simplex with nail dystrophy (EBS5D). Identifiers: MedGen C4225309, MONDO:0014661, OMIM 616487.
Autosomal recessive limb-girdle muscular dystrophy type 2Q (LGMDR17). Also called: MUSCULAR DYSTROPHY, LIMB-GIRDLE, AUTOSOMAL RECESSIVE 17. Identifiers: Orphanet 254361, MedGen C3150989, MONDO:0013390, OMIM 613723.
Epidermolysis bullosa simplex 5C, with pyloric atresia (EBS5C). Also called: PLEC-Related Epidermolysis Bullosa with Pyloric Atresia; Epidermolysis bullosa simplex with pyloric atresia; PLEC1-Related Epidermolysis Bullosa with Pyloric Atresia. Identifiers: Orphanet 158684, MedGen C2677349, MONDO:0012807, OMIM 612138.
Inborn genetic diseases. Identifiers: MedGen C0950123, MeSH D030342.
PLEC-related disorder. Also called: PLEC-related disorders; PLEC-related condition.

Allele frequency attached by ClinVar (database versions not stated): gnomAD exomes 0.00014 and 0.00027; 1000 Genomes Project 30x 0.00016; ESP Exome Variant Server 0.00016; TOPMed 0.00016; 1000 Genomes Project 0.00020; ExAC 0.00026.
gnomAD v4.1: 220 of 1,608,132 alleles (0.014%); highest among the groups gnomAD compares: Admixed American, 0.074%; no homozygotes.

Submissions (5):

Labcorp Genetics (formerly Invitae), Labcorp
Classification: Uncertain significance for Autosomal recessive limb-girdle muscular dystrophy type 2Q; Epidermolysis bullosa simplex, Ogna type; Epidermolysis bullosa simplex with nail dystrophy; Epidermolysis bullosa simplex 5C, with pyloric atresia; Epidermolysis bullosa simplex 5B, with muscular dystrophy. Last evaluated: 2025-06-23. Review status: criteria provided, single submitter. Criteria: Invitae Variant Classification Sherloc (09022015). Collection method: clinical testing. Allele origin: germline.
Comment: This sequence change replaces arginine, which is basic and polar, with glutamine, which is neutral and polar, at codon 614 of the PLEC protein (p.Arg614Gln). This variant is present in population databases (rs200259757, gnomAD 0.2%). This missense change has been observed in individual(s) with epidermolysis bullosa (PMID: 35579050). ClinVar contains an entry for this variant (Variation ID: 538916). Experimental studies and prediction algorithms are not available or were not evaluated, and the functional significance of this variant is currently unknown. In summary, the available evidence is currently insufficient to determine the role of this variant in disease. Therefore, it has been classified as a Variant of Uncertain Significance.

PreventionGenetics, part of Exact Sciences
Classification: Likely benign for PLEC-related condition. Last evaluated: 2025-06-23. Review status: criteria provided, single submitter. Criteria: ACMG Guidelines, 2015. Collection method: clinical testing. Allele origin: germline.
Comment: This variant is classified as likely benign based on ACMG/AMP sequence variant interpretation guidelines (Richards et al. 2015 PMID: 25741868, with internal and published modifications).

Department of Pathology and Laboratory Medicine, Sinai Health System
Classification: Uncertain significance for Epidermolysis bullosa simplex, Ogna type; Epidermolysis bullosa simplex 5B, with muscular dystrophy; Junctional epidermolysis bullosa with pyloric atresia; Epidermolysis bullosa simplex 5C, with pyloric atresia; Autosomal recessive limb-girdle muscular dystrophy type 2Q; Epidermolysis bullosa simplex with nail dystrophy. Last evaluated: 2023-01-27. Review status: criteria provided, single submitter. Criteria: ACMG Guidelines, 2015. Collection method: research. Allele origin: germline.

Ambry Genetics
Classification: Uncertain significance for Inborn genetic diseases. Last evaluated: 2021-06-11. Review status: criteria provided, single submitter. Criteria: Ambry Variant Classification Scheme 2023. Collection method: clinical testing. Allele origin: germline.

Athena Diagnostics
Classification: Likely benign. Last evaluated: 2020-06-29. Review status: criteria provided, single submitter. Criteria: Athena Diagnostics Criteria. Collection method: clinical testing. Allele origin: unknown.

Literature cited by the submitters: PubMed 35579050 (cited by Labcorp Genetics (formerly Invitae), Labcorp).

NM_201384.3(PLEC):c.1760G>A (p.Arg587Gln)

Gene: PLEC (plectin; minus strand). Cytogenetic location: 8q24.3.
Variant type: single nucleotide variant.
Coding change: c.1760G>A on transcript NM_201384.3 (MANE Select); coding-DNA position 1760, G replaced by A.
Protein change: p.Arg587Gln; replaces arginine 587 with glutamine.
Molecular consequence: missense variant.
Genome position (GRCh38, 1-based): chr8:143,932,690, C>T on the plus strand (G>A on the coding strand, the complement: PLEC is on the minus strand). VCF-style: chr8-143932690-C-T. GRCh37 (hg19) VCF-style: chr8-145006858-C-T.
Other names: c.1841G>A, p.Arg614Gln (NM_000445.5); c.1718G>A, p.Arg573Gln (NM_201378.4); c.1694G>A, p.Arg565Gln (NM_201379.3); c.2171G>A, p.Arg724Gln (NM_201380.4); c.1664G>A, p.Arg555Gln (NM_201381.3); c.1760G>A, p.Arg587Gln (NM_201382.4); c.1772G>A, p.Arg591Gln (NM_201383.3); short protein forms R555Q, R573Q, R565Q, R724Q, R614Q, R587Q, R591Q.
Identifiers: ClinVar variation 538916 (VCV000538916.13), dbSNP rs200259757, ClinGen allele CA4927862.
Genomic context (GRCh38, chr8:143,932,690, plus strand): 5'-CTCACCAGCAGCTTGGCGTACTGCAGGTCCAGCCGACCCAGGCAGTCACGGTAGGCACCC[C>T]GGGTGGCGGGGGAGAGCTGGCCCTGCAACAGATGAGACGGTGAGGTCTGCAGTGGCTGGG-3'
Protein context (NP_958786.1, residues 577-597): SDEGQLSPAT[Arg587Gln]GAYRDCLGRL